The following is an entry in ClinVar:

NM_001846.4(COL4A2):c.2248G>C (p.Gly750Arg)

Gene: COL4A2 (collagen type IV alpha 2 chain; plus strand). Cytogenetic location: 13q34.
Variant type: single nucleotide variant.
Coding change: c.2248G>C on transcript NM_001846.4 (MANE Select); coding-DNA position 2248, G replaced by C.
Protein change: p.Gly750Arg; replaces glycine 750 with arginine.
Molecular consequence: missense variant.
Genome position (GRCh38, 1-based): chr13:110,472,973, G>C. VCF-style: chr13-110472973-G-C. GRCh37 (hg19) VCF-style: chr13-111125320-G-C.
Other names: short protein forms G750R.
Identifiers: ClinVar variation 2760085 (VCV002760085.3), dbSNP rs2502142320, ClinGen allele CA388742141.
Genomic context (GRCh38, chr13:110,472,973, plus strand): 5'-CCATGTTTCCTTTTAGGGTTCATAGGACCCCGAGGATCCAAAGGTGCAGTGGGCCTCCCT[G>C]GCCCAGATGGATCCCCAGGTCCCATCGGCCTGCCAGGGCCAGATGGGCCCCCTGGGGAAA-3'
Protein context (NP_001837.2, residues 740-760): RGSKGAVGLP[Gly750Arg]PDGSPGPIGL

ClinVar aggregate classification (germline): Uncertain significance (1 of 4 stars; one submission).

Submission:

Labcorp Genetics (formerly Invitae), Labcorp
Classification: Uncertain significance. Last evaluated: 2023-09-11. Review status: criteria provided, single submitter. Criteria: Invitae Variant Classification Sherloc (09022015). Collection method: clinical testing. Allele origin: germline.
Comment: This sequence change replaces glycine, which is neutral and non-polar, with arginine, which is basic and polar, at codon 750 of the COL4A2 protein (p.Gly750Arg). This variant is not present in population databases (gnomAD no frequency). This variant has not been reported in the literature in individuals affected with COL4A2-related conditions. Advanced modeling of protein sequence and biophysical properties (such as structural, functional, and spatial information, amino acid conservation, physicochemical variation, residue mobility, and thermodynamic stability) has been performed at Invitae for this missense variant, however the output from this modeling did not meet the statistical confidence thresholds required to predict the impact of this variant on COL4A2 protein function. In summary, the available evidence is currently insufficient to determine the role of this variant in disease. Therefore, it has been classified as a Variant of Uncertain Significance.